The following is an entry in ClinVar:

ClinVar aggregate classification (germline): Conflicting classifications of pathogenicity. Review status: criteria provided, conflicting classifications (1 of 4 stars). 3 submissions from 3 submitters: Pathogenic (1); Likely pathogenic (1); Uncertain significance (1). Last evaluated 2025-06-12.

Conditions:
Intellectual developmental disorder, X-linked 1. Also called: Atkin Flaitz Patil Smith syndrome; Intellectual disability, X-linked 1; MENTAL RETARDATION, X-LINKED 18; MENTAL RETARDATION, X-LINKED 78. Identifiers: Orphanet 777, MedGen C2931498, MONDO:0010656, OMIM 309530.

Submissions (3):

GeneDx
Classification: Pathogenic. Last evaluated: 2025-06-12. Review status: criteria provided, single submitter. Criteria: GeneDx Variant Classification Process June 2021. Collection method: clinical testing. Allele origin: germline. Affected: yes.
Comment: Observed in the hemizygous state in two affected males from one family with intellectual disability (PMID: 30206421); Not observed at significant frequency in large population cohorts (gnomAD); In silico analysis supports that this missense variant has a deleterious effect on protein structure/function; This variant is associated with the following publications: (PMID: 36902414, 30206421, 36980980)

Labcorp Genetics (formerly Invitae), Labcorp
Classification: Uncertain significance for Intellectual developmental disorder, X-linked 1. Last evaluated: 2025-05-21. Review status: criteria provided, single submitter. Criteria: Invitae Variant Classification Sherloc (09022015). Collection method: clinical testing. Allele origin: germline.
Comment: This sequence change replaces arginine, which is basic and polar, with tryptophan, which is neutral and slightly polar, at codon 1155 of the IQSEC2 protein (p.Arg1155Trp). This variant is not present in population databases (gnomAD no frequency). This missense change has been observed in individuals with X-linked intellectual disability (PMID: 30206421, 36980980; internal data). ClinVar contains an entry for this variant (Variation ID: 1043276). Invitae Evidence Modeling of protein sequence and biophysical properties (such as structural, functional, and spatial information, amino acid conservation, physicochemical variation, residue mobility, and thermodynamic stability) indicates that this missense variant is not expected to disrupt IQSEC2 protein function with a negative predictive value of 95%. This variant disrupts the p.Arg1155 amino acid residue in IQSEC2. Other variant(s) that disrupt this residue have been determined to be pathogenic (internal data). This suggests that this residue is clinically significant, and that variants that disrupt this residue are likely to be disease-causing. In summary, the available evidence is currently insufficient to determine the role of this variant in disease. Therefore, it has been classified as a Variant of Uncertain Significance.

Genetics Laboratory, UDIAT-Centre Diagnòstic, Hospital Universitari Parc Tauli
Classification: Likely pathogenic. Last evaluated: 2021-04-26. Review status: criteria provided, single submitter. Criteria: Parc Tauli Hospital Assertion Criteria 2021. Collection method: clinical testing. Allele origin: de novo. Inheritance: X-linked inheritance. Affected: yes. Observed: 1 hemizygote.
Comment: PM2_supporting;PM6_moderate;PP2_supporting;PP3_supporting

Literature cited by the submitters: PubMed 30206421 (cited by Labcorp Genetics (formerly Invitae), Labcorp); PubMed 36980980 (cited by Labcorp Genetics (formerly Invitae), Labcorp).

NM_001111125.3(IQSEC2):c.3463C>T (p.Arg1155Trp)

Gene: IQSEC2 (IQ motif and Sec7 domain ArfGEF 2; minus strand). Cytogenetic location: Xp11.22.
Variant type: single nucleotide variant.
Coding change: c.3463C>T on transcript NM_001111125.3 (MANE Select); coding-DNA position 3463, C replaced by T.
Protein change: p.Arg1155Trp; replaces arginine 1155 with tryptophan.
Molecular consequence: missense variant. On other transcripts: intron variant (1).
Genome position (GRCh38, 1-based): chrX:53,235,821, G>A on the plus strand (C>T on the coding strand, the complement: IQSEC2 is on the minus strand). VCF-style: chrX-53235821-G-A. GRCh37 (hg19) VCF-style: chrX-53265003-G-A.
Other names: c.2836+501C>T (NM_015075.2); short protein forms R1155W.
Identifiers: ClinVar variation 1043276 (VCV001043276.16), dbSNP rs2074117985, ClinGen allele CA413143497.